The following is an entry in ClinVar:

NM_000428.3(LTBP2):c.987G>T (p.Gln329His)

Gene: LTBP2 (latent transforming growth factor beta binding protein 2; minus strand). Cytogenetic location: 14q24.3.
Variant type: single nucleotide variant.
Coding change: c.987G>T on transcript NM_000428.3 (MANE Select); coding-DNA position 987, G replaced by T.
Protein change: p.Gln329His; replaces glutamine 329 with histidine.
Molecular consequence: missense variant.
Genome position (GRCh38, 1-based): chr14:74,555,537, C>A on the plus strand (G>T on the coding strand, the complement: LTBP2 is on the minus strand). VCF-style: chr14-74555537-C-A. GRCh37 (hg19) VCF-style: chr14-75022240-C-A.
Other names: c.987G>T (NM_000428.2); short protein forms Q329H.
Identifiers: ClinVar variation 1525468 (VCV001525468.4), dbSNP rs201070032, ClinGen allele CA7270024.
Genomic context (GRCh38, chr14:74,555,537, plus strand): 5'-TAGGACCCAAGACAGGGTATCCTTACCCCAGGGGGATGAGGGGTGCTCCAGAGGTACCGC[C>A]TGTTGGGTGCCATCTCTCTGCTCAAGGCCTGGTCCCGGGGGCAGGGCGTTGGAAGAGAGC-3'
Protein context (NP_000419.1, residues 319-339): PGLEQRDGTQ[Gln329His]AVPLEHPSSP

ClinVar aggregate classification (germline): Uncertain significance. Review status: criteria provided, multiple submitters, no conflicts (2 of 4 stars). 2 submissions from 2 submitters: Uncertain significance (2). Last evaluated 2025-06-07.

Conditions:
Inborn genetic diseases. Identifiers: MedGen C0950123, MeSH D030342.

Allele frequency attached by ClinVar (database versions not stated): ESP Exome Variant Server 0.00008; gnomAD 0.00007 and 0.00008; ExAC 0.00008; gnomAD exomes 0.00010.
gnomAD v4.1: 111 of 1,613,318 alleles (0.0069%); highest among the groups gnomAD compares: Admixed American, 0.057%; no homozygotes.

Submissions (2):

Ambry Genetics
Classification: Uncertain significance for Inborn genetic diseases. Last evaluated: 2025-06-07. Review status: criteria provided, single submitter. Criteria: Ambry Variant Classification Scheme 2023. Collection method: clinical testing. Allele origin: germline.

Labcorp Genetics (formerly Invitae), Labcorp
Classification: Uncertain significance. Last evaluated: 2022-08-31. Review status: criteria provided, single submitter. Criteria: Invitae Variant Classification Sherloc (09022015). Collection method: clinical testing. Allele origin: germline.
Comment: This sequence change replaces glutamine, which is neutral and polar, with histidine, which is basic and polar, at codon 329 of the LTBP2 protein (p.Gln329His). This variant is present in population databases (rs201070032, gnomAD 0.06%). This variant has not been reported in the literature in individuals affected with LTBP2-related conditions. ClinVar contains an entry for this variant (Variation ID: 1525468). Algorithms developed to predict the effect of missense changes on protein structure and function are either unavailable or do not agree on the potential impact of this missense change (SIFT: "Deleterious"; PolyPhen-2: "Benign"; Align-GVGD: "Class C0"). In summary, the available evidence is currently insufficient to determine the role of this variant in disease. Therefore, it has been classified as a Variant of Uncertain Significance.